The following is an entry in ClinVar:

NM_000080.4(CHRNE):c.1032C>G (p.His344Gln)

Gene: CHRNE (cholinergic receptor nicotinic epsilon subunit; minus strand). Cytogenetic location: 17p13.2.
Variant type: single nucleotide variant.
Coding change: c.1032C>G on transcript NM_000080.4 (MANE Select); coding-DNA position 1032, C replaced by G.
Protein change: p.His344Gln; replaces histidine 344 with glutamine.
Molecular consequence: missense variant.
Genome position (GRCh38, 1-based): chr17:4,899,468, G>C on the plus strand (C>G on the coding strand, the complement: CHRNE is on the minus strand). VCF-style: chr17-4899468-G-C. GRCh37 (hg19) VCF-style: chr17-4802763-G-C.
Other names: short protein forms H344Q.
Identifiers: ClinVar variation 1395694 (VCV001395694.7), dbSNP rs144047383, ClinGen allele CA287180568.

ClinVar aggregate classification (germline): Uncertain significance (1 of 4 stars; one submission).

Conditions:
Congenital myasthenic syndrome 4A. Also called: Myasthenic syndrome, congenital, 4a, slow-channel; CONGENITAL MYASTHENIC SYNDROME TYPE Ia1; MYASTHENIC SYNDROME, CONGENITAL, 4A, SLOW-CHANNEL, AUTOSOMAL RECESSIVE. Identifiers: Orphanet 590, MedGen C4225413, MONDO:0011600, OMIM 605809.

Submission:

Labcorp Genetics (formerly Invitae), Labcorp
Classification: Uncertain significance for Congenital myasthenic syndrome 4A. Last evaluated: 2024-05-04. Review status: criteria provided, single submitter. Criteria: Invitae Variant Classification Sherloc (09022015). Collection method: clinical testing. Allele origin: germline.
Comment: This sequence change replaces histidine, which is basic and polar, with glutamine, which is neutral and polar, at codon 344 of the CHRNE protein (p.His344Gln). This variant is present in population databases (no rsID available, gnomAD 0.009%). This variant has not been reported in the literature in individuals affected with CHRNE-related conditions. ClinVar contains an entry for this variant (Variation ID: 1395694). Algorithms developed to predict the effect of missense changes on protein structure and function output the following: SIFT: "Not Available"; PolyPhen-2: "Benign"; Align-GVGD: "Not Available". The glutamine amino acid residue is found in multiple mammalian species, which suggests that this missense change does not adversely affect protein function. In summary, the available evidence is currently insufficient to determine the role of this variant in disease. Therefore, it has been classified as a Variant of Uncertain Significance.